The following is an entry in ClinVar:

ClinVar aggregate classification (germline): Uncertain significance (1 of 4 stars; one submission).

Submission:

Ambry Genetics
Classification: Uncertain significance. Last evaluated: 2026-05-14. Review status: criteria provided, single submitter. Criteria: Ambry Variant Classification Scheme 2023. Collection method: clinical testing. Allele origin: germline.
Comment: The p.P292S variant (also known as c.874C>T), located in coding exon 1 of the CDK12 gene, results from a C to T substitution at nucleotide position 874. The proline at codon 292 is replaced by serine, an amino acid with similar properties. This amino acid position is conserved. In addition, this alteration is predicted to be tolerated by in silico analysis. Based on the available evidence, the clinical significance of this variant remains unclear.

NM_016507.4(CDK12):c.874C>T (p.Pro292Ser)

Genes: CDK12 (cyclin dependent kinase 12; plus strand), LOC126862553 (CDK7 strongly-dependent group 2 enhancer GRCh37_chr17:37618166-37619365; plus strand). Cytogenetic location: 17q12.
Variant type: single nucleotide variant.
Coding change: c.874C>T on transcript NM_016507.4 (MANE Select); coding-DNA position 874, C replaced by T.
Protein change: p.Pro292Ser; replaces proline 292 with serine.
Molecular consequence: missense variant.
Genome position (GRCh38, 1-based): chr17:39,462,945, C>T. VCF-style: chr17-39462945-C-T. GRCh37 (hg19) VCF-style: chr17-37619198-C-T.
Other names: c.874C>T, p.Pro292Ser (NM_015083.4); short protein forms P292S.
Identifiers: ClinVar variation 4868527 (VCV004868527.1).